The following is an entry in ClinVar:

ClinVar aggregate classification (germline): Likely benign. Review status: criteria provided, multiple submitters, no conflicts (2 of 4 stars). 3 submissions from 3 submitters: Likely benign (3). Last evaluated 2023-03-01.

Allele frequency attached by ClinVar (database versions not stated): gnomAD exomes 0.00005 and 0.00010; TOPMed 0.00047; ESP Exome Variant Server 0.00049; gnomAD 0.00052 and 0.00046; ExAC 0.00012.
gnomAD v4.1: 142 of 1,613,966 alleles (0.0088%); highest among the groups gnomAD compares: African/African-American, 0.17%; no homozygotes.

Submissions (3):

CeGaT Center for Human Genetics Tuebingen
Classification: Likely benign. Last evaluated: 2023-03-01. Review status: criteria provided, single submitter. Criteria: CeGaT Center For Human Genetics Tuebingen Variant Classification Criteria Version 2. Collection method: clinical testing. Allele origin: germline. Affected: yes. Observed: 1 variant allele.
Comment: DSPP: BP4, BP7

GeneDx
Classification: Likely benign. Last evaluated: 2021-05-08. Review status: criteria provided, single submitter. Criteria: GeneDx Variant Classification Process June 2021. Collection method: clinical testing. Allele origin: germline. Affected: yes.

Breakthrough Genomics
Classification: Likely benign. Review status: criteria provided, single submitter. Criteria: ACMG Guidelines, 2015. Collection method: not provided. Allele origin: germline. Inheritance: Autosomal dominant inheritance. Affected: yes.

NM_014208.3(DSPP):c.1338T>C (p.Asn446=)

Genes: DMP1-AS1 (DMP1 and DSPP antisense RNA 1; minus strand), DSPP (dentin sialophosphoprotein; plus strand). Cytogenetic location: 4q22.1.
Variant type: single nucleotide variant.
Coding change: c.1338T>C on transcript NM_014208.3 (MANE Select); coding-DNA position 1338, T replaced by C.
Protein change: p.Asn446=; no amino-acid change (asparagine 446 retained).
Molecular consequence: synonymous variant.
Genome position (GRCh38, 1-based): chr4:87,614,000, T>C. VCF-style: chr4-87614000-T-C. GRCh37 (hg19) VCF-style: chr4-88535152-T-C.
Identifiers: ClinVar variation 1202147 (VCV001202147.28), dbSNP rs371567368, ClinGen allele CA3001082.